The following is an entry in ClinVar:

ClinVar aggregate classification (germline): Pathogenic (1 of 4 stars; one submission).

Submission:

Labcorp Genetics (formerly Invitae), Labcorp
Classification: Pathogenic. Last evaluated: 2020-12-20. Review status: criteria provided, single submitter. Criteria: Invitae Variant Classification Sherloc (09022015). Collection method: clinical testing. Allele origin: germline.
Comment: This sequence change creates a premature translational stop signal (p.Pro1256Leufs*8) in the COL4A3 gene. It is expected to result in an absent or disrupted protein product. Loss-of-function variants in COL4A3 are known to be pathogenic (PMID: 8956999, 24854265, 26809805, 27281700). This variant is not present in population databases (ExAC no frequency). This variant has not been reported in the literature in individuals with COL4A3-related conditions. For these reasons, this variant has been classified as Pathogenic.

Literature cited by the submitters: PubMed 8956999; PubMed 24854265; PubMed 26809805; PubMed 27281700.

NM_000091.5(COL4A3):c.3767del (p.Pro1256fs)

Genes: COL4A3 (collagen type IV alpha 3 chain; plus strand), MFF-DT (MFF divergent transcript; minus strand). Cytogenetic location: 2q36.3.
Variant type: Deletion.
Coding change: c.3767del on transcript NM_000091.5 (MANE Select); coding-DNA position 3767, one base deleted (C; older notation c.3767delC).
Protein change: p.Pro1256fs; shifts the reading frame from proline 1256.
Molecular consequence: frameshift variant.
Genome position (GRCh38, 1-based): chr2:227,298,697, C deleted; the last of 5 consecutive C bases (chr2:227,298,693-227,298,697); deleting any one gives the same sequence. VCF-style (leftmost placement, unchanged base first): chr2-227298692-TC-T. GRCh37 (hg19) VCF-style: chr2-228163408-TC-T.
Other names: short protein forms P1256fs.
Identifiers: ClinVar variation 1456975 (VCV001456975.6), dbSNP rs2106250767, ClinGen allele CA2573135488.